The following is an entry in ClinVar:

ClinVar aggregate classification (germline): Uncertain significance. Review status: criteria provided, multiple submitters, no conflicts (2 of 4 stars). 2 submissions from 2 submitters: Uncertain significance (2). Last evaluated 2025-08-11.

Conditions:
Peripheral neuropathy. Also called: Neuropathy. Identifiers: MedGen C0031117, MONDO:0005244, HP:0009830.
FLRT1-related disorder. Also called: FLRT1-related condition.

Allele frequency attached by ClinVar (database versions not stated): gnomAD exomes 0.00003; ExAC 0.00005; gnomAD 0.00005; TOPMed 0.00007; ESP Exome Variant Server 0.00015.
gnomAD v4.1: 192 of 1,613,376 alleles (0.012%); highest among the groups gnomAD compares: Non-Finnish European, 0.015%; no homozygotes.

Submissions (2):

PreventionGenetics, part of Exact Sciences
Classification: Uncertain significance for FLRT1-related condition. Last evaluated: 2025-08-11. Review status: criteria provided, single submitter. Criteria: ACMG Guidelines, 2015. Collection method: clinical testing. Allele origin: germline.
Comment: The FLRT1 c.523G>A variant is predicted to result in the amino acid substitution p.Asp175Asn. To our knowledge, this variant has not been reported in the literature. This variant is reported in 0.0071% of alleles in individuals of European (non-Finnish) descent in gnomAD. At this time, the clinical significance of this variant is uncertain due to the absence of conclusive functional and genetic evidence.

Labcorp Genetics (formerly Invitae), Labcorp
Classification: Uncertain significance for Peripheral neuropathy. Last evaluated: 2017-11-07. Review status: criteria provided, single submitter. Criteria: Invitae Variant Classification Sherloc (09022015). Collection method: clinical testing. Allele origin: germline.
Comment: This sequence change replaces aspartic acid with asparagine at codon 175 of the FLRT1 protein (p.Asp175Asn). The aspartic acid residue is highly conserved and there is a small physicochemical difference between aspartic acid and asparagine. This variant is present in population databases (rs148012979, ExAC 0.009%). This variant has not been reported in the literature in individuals with FLRT1-related disease. Algorithms developed to predict the effect of missense changes on protein structure and function (SIFT, PolyPhen-2, Align-GVGD) all suggest that this variant is likely to be tolerated, but these predictions have not been confirmed by published functional studies and their clinical significance is uncertain. In summary, the available evidence is currently insufficient to determine the role of this variant in disease. Therefore, it has been classified as a Variant of Uncertain Significance.

NM_013280.5(FLRT1):c.523G>A (p.Asp175Asn)

Genes: FLRT1 (fibronectin leucine rich transmembrane protein 1; plus strand), MACROD1 (mono-ADP ribosylhydrolase 1; minus strand). Cytogenetic location: 11q13.1.
Variant type: single nucleotide variant.
Coding change: c.523G>A on transcript NM_013280.5 (MANE Select); coding-DNA position 523, G replaced by A.
Protein change: p.Asp175Asn; replaces aspartic acid 175 with asparagine.
Molecular consequence: missense variant. On other transcripts: intron variant (2).
Genome position (GRCh38, 1-based): chr11:64,116,790, G>A. VCF-style: chr11-64116790-G-A. GRCh37 (hg19) VCF-style: chr11-63884262-G-A.
Other names: c.523G>A, p.Asp175Asn (NM_001384466.1); c.439G>A, p.Asp147Asn (NM_001423967.1); c.517+34449C>T (NM_001411019.1, NM_014067.4); short protein forms D175N, D147N.
Identifiers: ClinVar variation 530935 (VCV000530935.9), dbSNP rs148012979, ClinGen allele CA6067499.
Genomic context (GRCh38, chr11:64,116,790, plus strand): 5'-AAGCTGCACCTGGATGACAACTCCGTGTCCACCGTCAGCATTGAGGAGGACGCCTTCGCC[G>A]ACAGCAAACAGCTCAAGCTGCTCTTCCTGAGCCGGAACCACCTGAGCAGCATCCCCTCGG-3'
Protein context (NP_037412.2, residues 165-185): TVSIEEDAFA[Asp175Asn]SKQLKLLFLS